The following is an entry in ClinVar:

NM_001195553.2(DCX):c.632T>A (p.Leu211His)

Gene: DCX (doublecortin; minus strand). Cytogenetic location: Xq23.
Variant type: single nucleotide variant.
Coding change: c.632T>A on transcript NM_001195553.2 (MANE Select); coding-DNA position 632, T replaced by A.
Protein change: p.Leu211His; replaces leucine 211 with histidine.
Molecular consequence: missense variant.
Genome position (GRCh38, 1-based): chrX:111,401,063, A>T on the plus strand (T>A on the coding strand, the complement: DCX is on the minus strand). VCF-style: chrX-111401063-A-T. GRCh37 (hg19) VCF-style: chrX-110644291-A-T.
Other names: c.875T>A, p.Leu292His (NM_000555.3); c.632T>A, p.Leu211His (NM_001369370.1, NM_001369371.1, NM_001369372.1 and 6 more transcripts); short protein forms L211H, L292H.
Identifiers: ClinVar variation 4743644 (VCV004743644.1).

ClinVar aggregate classification (germline): Uncertain significance (1 of 4 stars; one submission).

Submission:

Labcorp Genetics (formerly Invitae), Labcorp
Classification: Uncertain significance. Last evaluated: 2026-01-08. Review status: criteria provided, single submitter. Criteria: Invitae Variant Classification Sherloc (09022015). Collection method: clinical testing. Allele origin: germline.
Comment: This sequence change replaces leucine, which is neutral and non-polar, with histidine, which is basic and polar, at codon 211 of the DCX protein (p.Leu211His). This variant is not present in population databases (gnomAD no frequency). This variant has not been reported in the literature in individuals affected with DCX-related conditions. Invitae Evidence Modeling of protein sequence and biophysical properties (such as structural, functional, and spatial information, amino acid conservation, physicochemical variation, residue mobility, and thermodynamic stability) indicates that this missense variant is expected to disrupt DCX protein function with a positive predictive value of 80%. In summary, the available evidence is currently insufficient to determine the role of this variant in disease. Therefore, it has been classified as a Variant of Uncertain Significance.